The following is an entry in ClinVar:

NM_005340.7(HINT1):c.119C>G (p.Ala40Gly)

Gene: HINT1 (histidine triad nucleotide binding protein 1; minus strand). Cytogenetic location: 5q23.3.
Variant type: single nucleotide variant.
Coding change: c.119C>G on transcript NM_005340.7 (MANE Select); coding-DNA position 119, C replaced by G.
Protein change: p.Ala40Gly; replaces alanine 40 with glycine.
Molecular consequence: missense variant. On other transcripts: non-coding transcript variant (5).
Genome position (GRCh38, 1-based): chr5:131,162,669, G>C on the plus strand (C>G on the coding strand, the complement: HINT1 is on the minus strand). VCF-style: chr5-131162669-G-C. GRCh37 (hg19) VCF-style: chr5-130498362-G-C.
Other names: short protein forms A40G.
Identifiers: ClinVar variation 1041555 (VCV001041555.6), dbSNP rs1561537337, ClinGen allele CA360838885.

ClinVar aggregate classification (germline): Uncertain significance (1 of 4 stars; one submission).

Conditions:
Autosomal recessive axonal neuropathy with neuromyotonia (NMAN). Also called: MYOKYMIA, MYOTONIA, AND MUSCLE WASTING; Gamstorp-Wohlfart syndrome; Neuromyotonia and axonal neuropathy, autosomal recessive. Identifiers: Orphanet 324442, MedGen C5700127, MONDO:0007646, OMIM 137200.

Allele frequency attached by ClinVar (database versions not stated): gnomAD exomes below 0.00001; gnomAD 0.00001; TOPMed 0.00001.
gnomAD v4.1: 2 of 1,598,544 alleles (0.00013%); highest among the groups gnomAD compares: Non-Finnish European, 0.00017%; no homozygotes.

Submission:

Labcorp Genetics (formerly Invitae), Labcorp
Classification: Uncertain significance for Autosomal recessive axonal neuropathy with neuromyotonia. Last evaluated: 2021-08-27. Review status: criteria provided, single submitter. Criteria: Invitae Variant Classification Sherloc (09022015). Collection method: clinical testing. Allele origin: germline.
Comment: This sequence change replaces alanine with glycine at codon 40 of the HINT1 protein (p.Ala40Gly). The alanine residue is highly conserved and there is a small physicochemical difference between alanine and glycine. This variant is not present in population databases (ExAC no frequency). This variant has not been reported in the literature in individuals affected with HINT1-related conditions. Algorithms developed to predict the effect of missense changes on protein structure and function are either unavailable or do not agree on the potential impact of this missense change (SIFT: "Tolerated"; PolyPhen-2: "Possibly Damaging"; Align-GVGD: "Class C0"). In summary, the available evidence is currently insufficient to determine the role of this variant in disease. Therefore, it has been classified as a Variant of Uncertain Significance.